The following is an entry in ClinVar:

NM_003072.5(SMARCA4):c.4318_4320del (p.Gln1440del)

Gene: SMARCA4 (SWI/SNF related BAF chromatin remodeling complex subunit ATPase 4; plus strand). Cytogenetic location: 19p13.2.
Variant type: Deletion.
Coding change: c.4318_4320del on transcript NM_003072.5 (MANE Select); coding-DNA positions 4318 to 4320, 3 bases deleted (CAG; older notation c.4318_4320delCAG).
Protein change: p.Gln1440del; deletes glutamine 1440.
Molecular consequence: inframe deletion. On other transcripts: inframe indel (1), non-coding transcript variant (1).
Genome position (GRCh38, 1-based): chr19:11,041,454-11,041,456, CAG deleted; deleting any 3 consecutive bases within chr19:11,041,452-11,041,456 gives the same sequence; the c. name uses the placement nearest the transcript's 3' end. VCF-style (leftmost placement, unchanged base first): chr19-11041451-AAGC-A. GRCh37 (hg19) VCF-style: chr19-11152127-AAGC-A.
Other names: c.4318_4320del, p.Gln1440del (NM_001128844.3); c.4228_4230del, p.Gln1410del (NM_001128845.2, NM_001128846.2); c.4219_4221del, p.Gln1407del (NM_001128847.4, NM_001128848.2, NM_001374457.1); c.4414_4416del, p.Gln1472del (NM_001128849.3, NM_001387283.1); c.4315_4317delCAG, p.Gln1439del (NM_001411150.1); short protein forms Q1439del, Q1472del, Q1407del, Q1410del, Q1440del.
Identifiers: ClinVar variation 1740424 (VCV001740424.4), dbSNP rs754509103, ClinGen allele CA9204701.

ClinVar aggregate classification (germline): Uncertain significance. Review status: criteria provided, multiple submitters, no conflicts (2 of 4 stars). 2 submissions from 2 submitters: Uncertain significance (2). Last evaluated 2024-06-26.

Conditions:
Hereditary cancer-predisposing syndrome. Also called: Hereditary Cancer Syndrome; Hereditary neoplastic syndrome; Neoplastic Syndromes, Hereditary; Tumor predisposition. Identifiers: Orphanet 140162, MedGen C0027672, MeSH D009386, MONDO:0015356.
Rhabdoid tumor predisposition syndrome 2 (RTPS2). Identifiers: Orphanet 231108, Orphanet 69077, MedGen C2750074, MONDO:0013224, OMIM 613325.

Submissions (2):

Labcorp Genetics (formerly Invitae), Labcorp
Classification: Uncertain significance for Rhabdoid tumor predisposition syndrome 2. Last evaluated: 2024-06-26. Review status: criteria provided, single submitter. Criteria: Invitae Variant Classification Sherloc (09022015). Collection method: clinical testing. Allele origin: germline.
Comment: This variant, c.4414_4416del, results in the deletion of 1 amino acid(s) of the SMARCA4 protein (p.Gln1472del), but otherwise preserves the integrity of the reading frame. This variant is present in population databases (rs754509103, gnomAD 0.005%). This variant has not been reported in the literature in individuals affected with SMARCA4-related conditions. ClinVar contains an entry for this variant (Variation ID: 1740424). Experimental studies and prediction algorithms are not available or were not evaluated, and the functional significance of this variant is currently unknown. In summary, the available evidence is currently insufficient to determine the role of this variant in disease. Therefore, it has been classified as a Variant of Uncertain Significance.

Ambry Genetics
Classification: Uncertain significance for Hereditary cancer-predisposing syndrome. Last evaluated: 2022-06-28. Review status: criteria provided, single submitter. Criteria: Ambry Variant Classification Scheme 2023. Collection method: clinical testing. Allele origin: germline.
Comment: The c.4414_4416delCAG variant (also known as p.Q1472del) is located in coding exon 30 of the SMARCA4 gene. This variant results from an in-frame CAG deletion at nucleotide positions 4414 to 4416. This results in the in-frame deletion of a glutamine at codon 1472. This amino acid position is well conserved in available vertebrate species. In addition, this alteration is predicted to be neutral by in silico analysis (Choi Y et al. PLoS ONE. 2012; 7(10):e46688). Missense and in-frame variants in SMARCA4 are known to cause neurodevelopmental disorders; however, such associations with rhabdoid tumor predisposition syndrome including small cell carcinoma of the ovary-hypercalcemic type (SCCOHT) are exceedingly rare (Kosho T et al. Am J Med Genet C Semin Med Genet. 2014 Sep;166C(3):262-75; Jelinic P et al. Nat Genet. 2014 May;46(5):424-6). Based on the supporting evidence, the association of this alteration with Coffin-Siris syndrome is unknown; however, the association of this alteration with rhabdoid tumor predisposition syndrome is unlikely.